The following is an entry in ClinVar:

NM_020988.3(GNAO1):c.161+20757G>A

Gene: GNAO1 (G protein subunit alpha o1; plus strand). Cytogenetic location: 16q13.
Variant type: single nucleotide variant.
Coding change: c.161+20757G>A on transcript NM_020988.3 (MANE Select); 20757 bases into the intron after coding-DNA position 161, G replaced by A.
Molecular consequence: intron variant.
Genome position (GRCh38, 1-based): chr16:56,213,373, G>A. VCF-style: chr16-56213373-G-A. GRCh37 (hg19) VCF-style: chr16-56247285-G-A.
Other names: c.161+20757G>A (NM_138736.3).
Identifiers: ClinVar variation 2646541 (VCV002646541.24), dbSNP rs535205414, ClinGen allele CA282110984.

ClinVar aggregate classification (germline): Benign (1 of 4 stars; one submission).

Allele frequency attached by ClinVar (database versions not stated): 1000 Genomes Project 0.00020; 1000 Genomes Project 30x 0.00031; gnomAD 0.00046; gnomAD exomes 0.00057; TOPMed 0.00057.
gnomAD v4.1: 217 of 398,538 alleles (0.054%); highest among the groups gnomAD compares: Non-Finnish European, 0.08%; no homozygotes.

Submission:

CeGaT Center for Human Genetics Tuebingen
Classification: Benign. Last evaluated: 2023-02-01. Review status: criteria provided, single submitter. Criteria: CeGaT Center For Human Genetics Tuebingen Variant Classification Criteria Version 2. Collection method: clinical testing. Allele origin: germline. Affected: yes. Observed: 1 variant allele.
Comment: GNAO1: BS1, BS2